The following is an entry in ClinVar:

ClinVar aggregate classification (germline): Uncertain significance (1 of 4 stars; one submission).

Allele frequency attached by ClinVar (database versions not stated): TOPMed below 0.00001.
gnomAD v4.1: 4 of 1,614,116 alleles (0.00025%); highest among the groups gnomAD compares: South Asian, 0.0011%; no homozygotes.

Submission:

Labcorp Genetics (formerly Invitae), Labcorp
Classification: Uncertain significance. Last evaluated: 2021-09-24. Review status: criteria provided, single submitter. Criteria: Invitae Variant Classification Sherloc (09022015). Collection method: clinical testing. Allele origin: germline.
Comment: This sequence change replaces valine with isoleucine at codon 753 of the NPHS1 protein (p.Val753Ile). The valine residue is weakly conserved and there is a small physicochemical difference between valine and isoleucine. This variant is present in population databases (rs753894951, ExAC 0.006%). This variant has not been reported in the literature in individuals with NPHS1-related conditions. Advanced modeling of protein sequence and biophysical properties (such as structural, functional, and spatial information, amino acid conservation, physicochemical variation, residue mobility, and thermodynamic stability) performed at Invitae indicates that this missense variant is not expected to disrupt NPHS1 protein function. In summary, the available evidence is currently insufficient to determine the role of this variant in disease. Therefore, it has been classified as a Variant of Uncertain Significance.

NM_004646.4(NPHS1):c.2257G>A (p.Val753Ile)

Gene: NPHS1 (NPHS1 adhesion molecule, nephrin; minus strand). Cytogenetic location: 19q13.12.
Variant type: single nucleotide variant.
Coding change: c.2257G>A on transcript NM_004646.4 (MANE Select); coding-DNA position 2257, G replaced by A.
Protein change: p.Val753Ile; replaces valine 753 with isoleucine.
Molecular consequence: missense variant.
Genome position (GRCh38, 1-based): chr19:35,843,549, C>T on the plus strand (G>A on the coding strand, the complement: NPHS1 is on the minus strand). VCF-style: chr19-35843549-C-T. GRCh37 (hg19) VCF-style: chr19-36334451-C-T.
Other names: short protein forms V753I.
Identifiers: ClinVar variation 1494588 (VCV001494588.5), dbSNP rs753894951, ClinGen allele CA9390183.